The following is an entry in ClinVar:

ClinVar aggregate classification (germline): Likely benign. Review status: criteria provided, multiple submitters, no conflicts (2 of 4 stars). 2 submissions from 2 submitters: Likely benign (2). Last evaluated 2025-08-15.

Conditions:
DNAAF5-related disorder. Also called: DNAAF5-related condition.
Primary ciliary dyskinesia. Also called: Ciliary dyskinesia. Identifiers: Orphanet 244, MedGen C0008780, MONDO:0016575, HP:0012265.

Submissions (2):

PreventionGenetics, part of Exact Sciences
Classification: Likely benign for DNAAF5-related condition. Last evaluated: 2025-08-15. Review status: criteria provided, single submitter. Criteria: ACMG Guidelines, 2015. Collection method: clinical testing. Allele origin: germline.
Comment: This variant is classified as likely benign based on ACMG/AMP sequence variant interpretation guidelines (Richards et al. 2015 PMID: 25741868, with internal and published modifications).

Labcorp Genetics (formerly Invitae), Labcorp
Classification: Likely benign for Primary ciliary dyskinesia. Last evaluated: 2025-06-15. Review status: criteria provided, single submitter. Criteria: Invitae Variant Classification Sherloc (09022015). Collection method: clinical testing. Allele origin: germline.

NM_017802.4(DNAAF5):c.10C>T (p.Leu4=)

Genes: DNAAF5 (dynein axonemal assembly factor 5; plus strand), PRKAR1B (protein kinase cAMP-dependent type I regulatory subunit beta; minus strand). Cytogenetic location: 7p22.3.
Variant type: single nucleotide variant.
Coding change: c.10C>T on transcript NM_017802.4 (MANE Select); coding-DNA position 10, C replaced by T.
Protein change: p.Leu4=; no amino-acid change (leucine 4 retained).
Molecular consequence: synonymous variant. On other transcripts: non-coding transcript variant (1), intron variant (3).
Genome position (GRCh38, 1-based): chr7:726,730, C>T. VCF-style: chr7-726730-C-T. GRCh37 (hg19) VCF-style: chr7-766367-C-T.
Other names: c.-23+925G>A (NM_001164759.1); c.-23+860G>A (NM_001164758.2); c.-23+480G>A (NM_001164760.2); c.10C>T (NM_017802.3).
Identifiers: ClinVar variation 4812072 (VCV004812072.2).